The following is an entry in ClinVar:

ClinVar aggregate classification (germline): Pathogenic. Review status: criteria provided, multiple submitters, no conflicts (2 of 4 stars). 3 submissions from 3 submitters: Pathogenic (2). 1 of the submissions does not count toward it. Last evaluated 2025-04-03.

Conditions:
Granulomatous disease, chronic, autosomal recessive, cytochrome b-positive, type 1. Also called: Chronic granulomatous disease 1, autosomal recessive; CGD, AUTOSOMAL RECESSIVE CYTOCHROME b-POSITIVE, TYPE I; Chronic Granulomatous Disease, Autosomal Recessive, Cytochrome b-Positive, Type I; GRANULOMATOUS DISEASE, CHRONIC, DUE TO NCF1 DEFICIENCY; Chronic granulomatous disease due to deficiency of NCF-1. Identifiers: Orphanet 379, MedGen C1856251, MONDO:0009309, OMIM 233700.

Allele frequency attached by ClinVar (database versions not stated): gnomAD exomes 0.00001 and 0.00002.
gnomAD v4.1: 16 of 1,596,744 alleles (0.001%); highest among the groups gnomAD compares: South Asian, 0.0044%; no homozygotes.

Submissions (3):

Next Generation Genetic Polyclinic
Classification: Pathogenic for Granulomatous disease, chronic, autosomal recessive, cytochrome b-positive, type 1. Last evaluated: 2025-04-03. Review status: criteria provided, single submitter. Criteria: ACMG Guidelines, 2015. Collection method: curation. Allele origin: germline. Affected: yes. Observed: 1 variant allele.
Comment: A known missense variant in the NCF1 gene (c.125G>A; p.Arg42His) was identified in the homozygous state. This variant alters a highly conserved arginine residue critical for NADPH oxidase function in phagocytes. It has been reported in multiple individuals with autosomal recessive chronic granulomatous disease (CGD), supporting a strong disease association. The variant is absent from population databases (PM2), and multiple in silico tools predict a deleterious impact on protein function (PP3). Functional studies and prior publications (n=2) support its pathogenicity. Classified as Pathogenic according to ACMG criteria: PM2 (absence in controls), PS1 (same amino acid change as a known pathogenic variant), PP3 (deleterious prediction), and PS4 (prevalence in affected individuals).

GeneDx
Classification: Pathogenic. Last evaluated: 2023-08-16. Review status: criteria provided, single submitter. Criteria: GeneDx Variant Classification Process June 2021. Collection method: clinical testing. Allele origin: germline. Affected: yes.
Comment: Published functional studies demonstrate a damaging effect on protein stability; expression was significantly lower than wild type (Li et al., 2010); In silico analysis, which includes protein predictors and evolutionary conservation, supports a deleterious effect; This variant is associated with the following publications: (PMID: 20167518, 11133775, 20817944)

OMIM
Classification: Pathogenic for GRANULOMATOUS DISEASE, CHRONIC, AUTOSOMAL RECESSIVE, 1. Last evaluated: 2001-07-01. Review status: no assertion criteria provided. Collection method: literature only. Allele origin: germline. Not counted in ClinVar's aggregate classification.

Literature cited by the submitters: PubMed 11433300 (cited by Next Generation Genetic Polyclinic and OMIM); PubMed 11133775 (cited by Next Generation Genetic Polyclinic and OMIM).

NM_000265.7(NCF1):c.125G>A (p.Arg42Gln)

Genes: NCF1 (neutrophil cytosolic factor 1; plus strand), LOC106029312 (Williams-Beuren syndrome medial block B recombination region; plus strand). Cytogenetic location: 7q11.23.
Variant type: single nucleotide variant.
Coding change: c.125G>A on transcript NM_000265.7 (MANE Select); coding-DNA position 125, G replaced by A.
Protein change: p.Arg42Gln; replaces arginine 42 with glutamine.
Molecular consequence: missense variant.
Genome position (GRCh38, 1-based): chr7:74,777,319, G>A. VCF-style: chr7-74777319-G-A. GRCh37 (hg19) VCF-style: chr7-74191665-G-A.
Other names: short protein forms R42Q.
Identifiers: ClinVar variation 2251 (VCV000002251.7), dbSNP rs119103270, ClinGen allele CA115440.